The following is an entry in ClinVar:

NM_003388.5(CLIP2):c.183C>G (p.Pro61=)

Gene: CLIP2 (CAP-Gly domain containing linker protein 2; plus strand). Cytogenetic location: 7q11.23.
Variant type: single nucleotide variant.
Coding change: c.183C>G on transcript NM_003388.5 (MANE Select); coding-DNA position 183, C replaced by G.
Protein change: p.Pro61=; no amino-acid change (proline 61 retained).
Molecular consequence: synonymous variant.
Genome position (GRCh38, 1-based): chr7:74,338,509, C>G. VCF-style: chr7-74338509-C-G. GRCh37 (hg19) VCF-style: chr7-73752839-C-G.
Other names: c.183C>G, p.Pro61= (NM_032421.3).
Identifiers: ClinVar variation 2657588 (VCV002657588.24), dbSNP rs547019283, ClinGen allele CA455889128.

ClinVar aggregate classification (germline): Likely benign (1 of 4 stars; one submission).

Allele frequency attached by ClinVar (database versions not stated): TOPMed 0.00002.
gnomAD v4.1: 9 of 1,610,746 alleles (0.00056%); highest among the groups gnomAD compares: East Asian, 0.0022%; no homozygotes.

Submission:

CeGaT Center for Human Genetics Tuebingen
Classification: Likely benign. Last evaluated: 2023-01-01. Review status: criteria provided, single submitter. Criteria: CeGaT Center For Human Genetics Tuebingen Variant Classification Criteria Version 2. Collection method: clinical testing. Allele origin: germline. Affected: yes. Observed: 1 variant allele.
Comment: CLIP2: BP4, BP7